The following is an entry in ClinVar:

NM_006907.4(PYCR1):c.894C>T (p.Thr298=)

Gene: PYCR1 (pyrroline-5-carboxylate reductase 1; minus strand). Cytogenetic location: 17q25.3.
Variant type: single nucleotide variant.
Coding change: c.894C>T on transcript NM_006907.4 (MANE Select); coding-DNA position 894, C replaced by T.
Protein change: p.Thr298=; no amino-acid change (threonine 298 retained).
Molecular consequence: synonymous variant. On other transcripts: 3 prime UTR variant (1), intron variant (1).
Genome position (GRCh38, 1-based): chr17:81,933,280, G>A on the plus strand (C>T on the coding strand, the complement: PYCR1 is on the minus strand). VCF-style: chr17-81933280-G-A. GRCh37 (hg19) VCF-style: chr17-79891156-G-A.
Other names: c.801C>T, p.Thr267= (NM_001282279.2); c.894C>T, p.Thr298= (NM_001282280.2); c.975C>T, p.Thr325= (NM_001282281.2); c.*76C>T (NM_001330523.2); c.867+27C>T (NM_153824.3).
Identifiers: ClinVar variation 325902 (VCV000325902.15), dbSNP rs35589179, ClinGen allele CA8845239.

ClinVar aggregate classification (germline): Benign. Review status: criteria provided, multiple submitters, no conflicts (2 of 4 stars). 4 submissions from 4 submitters: Benign (4). Last evaluated 2026-02-02.

Conditions:
Cutis laxa. Identifiers: Orphanet 209, MedGen C0010495, MONDO:0016175, HP:0000973.

Allele frequency attached by ClinVar (database versions not stated): gnomAD exomes 0.00083 and 0.00204; ExAC 0.00243; gnomAD 0.00774 and 0.00828; 1000 Genomes Project 0.00839; 1000 Genomes Project 30x 0.00859; TOPMed 0.00866; ESP Exome Variant Server 0.01077.
gnomAD v4.1: 2,440 of 1,614,008 alleles (0.15%); highest among the groups gnomAD compares: African/African-American, 2.7%; 36 homozygotes.

Submissions (4):

Labcorp Genetics (formerly Invitae), Labcorp
Classification: Benign. Last evaluated: 2026-02-02. Review status: criteria provided, single submitter. Criteria: Invitae Variant Classification Sherloc (09022015). Collection method: clinical testing. Allele origin: germline.

Illumina Laboratory Services, Illumina
Classification: Benign for Cutis laxa. Last evaluated: 2018-01-12. Review status: criteria provided, single submitter. Criteria: ICSL Variant Classification Criteria 13 December 2019. Collection method: clinical testing. Allele origin: germline.
Comment: This variant was observed in the ICSL laboratory as part of a predisposition screen in an ostensibly healthy population. It had not been previously curated by ICSL or reported in the Human Gene Mutation Database (HGMD: prior to June 1st, 2018), and was therefore a candidate for classification through an automated scoring system. Utilizing variant allele frequency, disease prevalence and penetrance estimates, and inheritance mode, an automated score was calculated to assess if this variant is too frequent to cause the disease. Based on the score and internal cut-off values, a variant classified as benign is not then subjected to further curation. The score for this variant resulted in a classification of benign for this disease.

GeneDx
Classification: Benign. Last evaluated: 2017-01-23. Review status: criteria provided, single submitter. Criteria: GeneDx Variant Classification (06012015). Collection method: clinical testing. Allele origin: germline. Affected: yes.
Comment: This variant is considered likely benign or benign based on one or more of the following criteria: it is a conservative change, it occurs at a poorly conserved position in the protein, it is predicted to be benign by multiple in silico algorithms, and/or has population frequency not consistent with disease.

Breakthrough Genomics
Classification: Benign. Review status: criteria provided, single submitter. Criteria: ACMG Guidelines, 2015. Collection method: not provided. Allele origin: germline. Inheritance: Autosomal recessive inheritance. Affected: yes.